The following is an entry in ClinVar:

NM_001267550.2(TTN):c.5770A>T (p.Lys1924Ter)

Gene: TTN (titin; minus strand). Cytogenetic location: 2q31.2.
Variant type: single nucleotide variant.
Coding change: c.5770A>T on transcript NM_001267550.2 (MANE Select); coding-DNA position 5770, A replaced by T.
Protein change: p.Lys1924Ter; replaces lysine 1924 with a stop codon.
Molecular consequence: nonsense.
Genome position (GRCh38, 1-based): chr2:178,776,094, T>A on the plus strand (A>T on the coding strand, the complement: TTN is on the minus strand). VCF-style: chr2-178776094-T-A. GRCh37 (hg19) VCF-style: chr2-179640821-T-A.
Other names: c.5770A>T, p.Lys1924Ter (NM_001256850.1, NM_133378.4, NM_133379.5); c.5632A>T, p.Lys1878Ter (NM_003319.4, NM_133432.3, NM_133437.4); short protein forms K1924*, K1878*.
Identifiers: ClinVar variation 640423 (VCV000640423.9), dbSNP rs1327562179, ClinGen allele CA349447663.

ClinVar aggregate classification (germline): Likely pathogenic (1 of 4 stars; one submission).

Conditions:
Autosomal recessive limb-girdle muscular dystrophy type 2J (LGMDR10). Also called: Limb-girdle muscular dystrophy, type 2J; MUSCULAR DYSTROPHY, LIMB-GIRDLE, AUTOSOMAL RECESSIVE 10. Identifiers: Orphanet 140922, MedGen C1837342, MONDO:0012127, OMIM 608807.
Dilated cardiomyopathy 1G (CMD1G). Identifiers: Orphanet 154, MedGen C1858763, MONDO:0011400, OMIM 604145.

Submission:

Labcorp Genetics (formerly Invitae), Labcorp
Classification: Likely pathogenic for Dilated cardiomyopathy 1G; Autosomal recessive limb-girdle muscular dystrophy type 2J. Last evaluated: 2025-04-17. Review status: criteria provided, single submitter. Criteria: Invitae Variant Classification Sherloc (09022015). Collection method: clinical testing. Allele origin: germline.
Comment: This sequence change creates a premature translational stop signal (p.Lys1924*) in the TTN gene. While this is not anticipated to result in nonsense mediated decay, it is expected to create a truncated TTN protein. This variant is not present in population databases (gnomAD no frequency). This variant has not been reported in the literature in individuals affected with TTN-related conditions. ClinVar contains an entry for this variant (Variation ID: 640423). This variant is located in the Z band of TTN (PMID: 25589632). Truncating variants in this region have been reported in individuals affected with autosomal recessive centronuclear myopathy (PMID: 33449170, internal data). Truncating variants in this region have also been identified in individuals affected with autosomal dominant dilated cardiomyopathy and/or cardio-related conditions (PMID: 27869827, 32964742, internal data). In summary, the currently available evidence indicates that the variant is pathogenic, but additional data are needed to prove that conclusively. Therefore, this variant has been classified as Likely Pathogenic.

Literature cited by the submitters: PubMed 25589632; PubMed 33449170; PubMed 27869827; PubMed 32964742.